The following is an entry in ClinVar:

NM_033337.3(CAV3):c.182G>C (p.Ser61Thr)

Genes: CAV3 (caveolin 3; plus strand), OXTR (oxytocin receptor; minus strand). Cytogenetic location: 3p25.3.
Variant type: single nucleotide variant.
Coding change: c.182G>C on transcript NM_033337.3 (MANE Select); coding-DNA position 182, G replaced by C.
Protein change: p.Ser61Thr; replaces serine 61 with threonine.
Molecular consequence: missense variant.
Genome position (GRCh38, 1-based): chr3:8,745,593, G>C. VCF-style: chr3-8745593-G-C. GRCh37 (hg19) VCF-style: chr3-8787279-G-C.
Other names: c.182G>C, p.Ser61Thr (NM_001234.5); short protein forms S61T.
Identifiers: ClinVar variation 4708643 (VCV004708643.1).

ClinVar aggregate classification (germline): Uncertain significance (1 of 4 stars; one submission).

Conditions:
Long QT syndrome (LQTS). Identifiers: MedGen C0023976, MeSH D008133, MONDO:0002442. Disease mechanism: loss of function. Inheritance: Various modes of inheritance.

Submission:

Labcorp Genetics (formerly Invitae), Labcorp
Classification: Uncertain significance for Long QT syndrome. Last evaluated: 2026-01-24. Review status: criteria provided, single submitter. Criteria: Invitae Variant Classification Sherloc (09022015). Collection method: clinical testing. Allele origin: germline.
Comment: This sequence change replaces serine, which is neutral and polar, with threonine, which is neutral and polar, at codon 61 of the CAV3 protein (p.Ser61Thr). This variant is not present in population databases (gnomAD no frequency). This variant has not been reported in the literature in individuals affected with CAV3-related conditions. An algorithm developed to predict the effect of missense changes on protein structure and function (PolyPhen-2) suggests that this variant is likely to be disruptive. In summary, the available evidence is currently insufficient to determine the role of this variant in disease. Therefore, it has been classified as a Variant of Uncertain Significance.